The following is an entry in ClinVar:

NM_201550.4(LRRC10):c.694A>C (p.Lys232Gln)

Gene: LRRC10 (leucine rich repeat containing 10; minus strand). Cytogenetic location: 12q15.
Variant type: single nucleotide variant.
Coding change: c.694A>C on transcript NM_201550.4 (MANE Select); coding-DNA position 694, A replaced by C.
Protein change: p.Lys232Gln; replaces lysine 232 with glutamine.
Molecular consequence: missense variant.
Genome position (GRCh38, 1-based): chr12:69,610,145, T>G on the plus strand (A>C on the coding strand, the complement: LRRC10 is on the minus strand). VCF-style: chr12-69610145-T-G. GRCh37 (hg19) VCF-style: chr12-70003925-T-G.
Other names: short protein forms K232Q.
Identifiers: ClinVar variation 4789154 (VCV004789154.1).

ClinVar aggregate classification (germline): Uncertain significance (1 of 4 stars; one submission).

Submission:

Labcorp Genetics (formerly Invitae), Labcorp
Classification: Uncertain significance. Last evaluated: 2025-09-08. Review status: criteria provided, single submitter. Criteria: Invitae Variant Classification Sherloc (09022015). Collection method: clinical testing. Allele origin: germline.
Comment: This sequence change replaces lysine, which is basic and polar, with glutamine, which is neutral and polar, at codon 232 of the LRRC10 protein (p.Lys232Gln). This variant is not present in population databases (gnomAD no frequency). This variant has not been reported in the literature in individuals affected with LRRC10-related conditions. An algorithm developed to predict the effect of missense changes on protein structure and function (PolyPhen-2) suggests that this variant is likely to be disruptive. In summary, the available evidence is currently insufficient to determine the role of this variant in disease. Therefore, it has been classified as a Variant of Uncertain Significance.